The following is an entry in ClinVar:

NM_000051.4(ATM):c.6224dup (p.His2075fs)

Genes: ATM (ATM serine/threonine kinase; plus strand), C11orf65 (chromosome 11 open reading frame 65; minus strand). Cytogenetic location: 11q22.3.
Variant type: Duplication.
Coding change: c.6224dup on transcript NM_000051.4 (MANE Select); coding-DNA position 6224, one base duplicated (A; older notation c.6224dupA).
Protein change: p.His2075fs; shifts the reading frame from histidine 2075.
Molecular consequence: frameshift variant. On other transcripts: intron variant (2).
Genome position (GRCh38, 1-based): chr11:108,317,398, A duplicated. VCF-style (leftmost placement, unchanged base first): chr11-108317397-C-CA. GRCh37 (hg19) VCF-style: chr11-108188124-C-CA.
Other names: c.6224dup, p.His2075fs (NM_001351834.2); c.641-8327dup (NM_001330368.2); c.*39-8327dup (NM_001351110.2); short protein forms H2075fs.
Identifiers: ClinVar variation 2027700 (VCV002027700.4), dbSNP rs2547113773, ClinGen allele CA2580083380.

ClinVar aggregate classification (germline): Pathogenic (1 of 4 stars; one submission).

Conditions:
Ataxia-telangiectasia syndrome (AT). Also called: Ataxia-telangiectasia, complementation group D; AT, COMPLEMENTATION GROUP C; ATAXIA-TELANGIECTASIA, COMPLEMENTATION GROUP A; ATAXIA-TELANGIECTASIA, FRESNO VARIANT; Ataxia-telangiectasia, complementation group E; LOUIS-BAR SYNDROME. Identifiers: Orphanet 100, MedGen C0004135, MONDO:0008840, OMIM 208900.

Submission:

Labcorp Genetics (formerly Invitae), Labcorp
Classification: Pathogenic for Ataxia-telangiectasia syndrome. Last evaluated: 2023-05-21. Review status: criteria provided, single submitter. Criteria: Invitae Variant Classification Sherloc (09022015). Collection method: clinical testing. Allele origin: germline.
Comment: For these reasons, this variant has been classified as Pathogenic. ClinVar contains an entry for this variant (Variation ID: 2027700). This variant has not been reported in the literature in individuals affected with ATM-related conditions. This variant is not present in population databases (gnomAD no frequency). This sequence change creates a premature translational stop signal (p.His2075Glnfs*13) in the ATM gene. It is expected to result in an absent or disrupted protein product. Loss-of-function variants in ATM are known to be pathogenic (PMID: 23807571, 25614872).

Literature cited by the submitters: PubMed 23807571; PubMed 25614872.